The following is an entry in ClinVar:

ClinVar aggregate classification (germline): Uncertain significance (1 of 4 stars; one submission).

Submission:

Labcorp Genetics (formerly Invitae), Labcorp
Classification: Uncertain significance. Last evaluated: 2022-11-28. Review status: criteria provided, single submitter. Criteria: Invitae Variant Classification Sherloc (09022015). Collection method: clinical testing. Allele origin: germline.
Comment: This sequence change replaces glutamic acid, which is acidic and polar, with lysine, which is basic and polar, at codon 529 of the C8A protein (p.Glu529Lys). This variant is not present in population databases (gnomAD no frequency). This variant has not been reported in the literature in individuals affected with C8A-related conditions. Algorithms developed to predict the effect of missense changes on protein structure and function are either unavailable or do not agree on the potential impact of this missense change (SIFT: "Deleterious"; PolyPhen-2: "Probably Damaging"; Align-GVGD: "Class C15"). In summary, the available evidence is currently insufficient to determine the role of this variant in disease. Therefore, it has been classified as a Variant of Uncertain Significance.

NM_000562.3(C8A):c.1585G>A (p.Glu529Lys)

Gene: C8A (complement C8 alpha chain; plus strand). Cytogenetic location: 1p32.2.
Variant type: single nucleotide variant.
Coding change: c.1585G>A on transcript NM_000562.3 (MANE Select); coding-DNA position 1585, G replaced by A.
Protein change: p.Glu529Lys; replaces glutamic acid 529 with lysine.
Molecular consequence: missense variant.
Genome position (GRCh38, 1-based): chr1:56,912,607, G>A. VCF-style: chr1-56912607-G-A. GRCh37 (hg19) VCF-style: chr1-57378280-G-A.
Other names: short protein forms E529K.
Identifiers: ClinVar variation 1999360 (VCV001999360.4), dbSNP rs2522619973, ClinGen allele CA340516857.